The following is an entry in ClinVar:

NM_015557.3(CHD5):c.1165_1167del (p.Lys389del)

Gene: CHD5 (chromodomain helicase DNA binding protein 5; minus strand). Cytogenetic location: 1p36.31.
Variant type: Deletion.
Coding change: c.1165_1167del on transcript NM_015557.3 (MANE Select); coding-DNA positions 1165 to 1167, 3 bases deleted (AAG; older notation c.1165_1167delAAG).
Protein change: p.Lys389del; deletes lysine 389.
Molecular consequence: inframe deletion.
Genome position (GRCh38, 1-based): chr1:6,149,070-6,149,072, CTT deleted on the plus strand (AAG on the coding strand, the reverse complement: CHD5 is on the minus strand); deleting any 3 consecutive bases within chr1:6,149,070-6,149,074 gives the same sequence; the c. name uses the placement nearest the transcript's 3' end. VCF-style (leftmost placement, unchanged base first): chr1-6149069-CCTT-C. GRCh37 (hg19) VCF-style: chr1-6209129-CCTT-C.
Other names: c.1165_1167delAAG (NM_015557.3); short protein forms K389del.
Identifiers: ClinVar variation 4853456 (VCV004853456.1).

ClinVar aggregate classification (germline): Uncertain significance (1 of 4 stars; one submission).

Submission:

Women's Health and Genetics/Laboratory Corporation of America, LabCorp
Classification: Uncertain significance. Last evaluated: 2026-05-08. Review status: criteria provided, single submitter. Criteria: LabCorp Variant Classification Summary - May 2015. Collection method: clinical testing. Allele origin: germline.
Comment: Variant summary: CHD5 c.1165_1167delAAG (p.Lys389del) results in an in-frame deletion that is predicted to remove one amino acids from the encoded protein. The variant was absent in 141246 control chromosomes. The available data on variant occurrences in the general population are insufficient to allow any conclusion about variant significance. To our knowledge, no occurrence of c.1165_1167delAAG in individuals affected with CHD5-related conditions and no experimental evidence demonstrating its impact on protein function have been reported. No submitters have cited clinical-significance assessments for this variant to ClinVar. Based on the evidence outlined above, the variant was classified as uncertain significance.